The following is an entry in ClinVar:

ClinVar aggregate classification (germline): Likely benign (1 of 4 stars; one submission).

Conditions:
BMPR1A-related disorder. Also called: BMPR1A-related condition.

Submission:

PreventionGenetics, part of Exact Sciences
Classification: Likely benign for BMPR1A-related condition. Last evaluated: 2026-06-08. Review status: criteria provided, single submitter. Criteria: ACMG Guidelines, 2015. Collection method: clinical testing. Allele origin: germline.
Comment: This variant is classified as likely benign based on ACMG/AMP sequence variant interpretation guidelines (Richards et al. 2015 PMID: 25741868, with internal and published modifications).

NM_004329.3(BMPR1A):c.-431C>G

Genes: BMPR1A (bone morphogenetic protein receptor type 1A; plus strand), LOC130004245 (ATAC-STARR-seq lymphoblastoid silent region 2573; plus strand). Cytogenetic location: 10q23.2.
Variant type: single nucleotide variant.
Coding change: c.-431C>G on transcript NM_004329.3 (MANE Select); 431 bases upstream of the start codon, C replaced by G.
Molecular consequence: 5 prime UTR variant. On other transcripts: non-coding transcript variant (3), intron variant (5).
Genome position (GRCh38, 1-based): chr10:86,756,756, C>G. VCF-style: chr10-86756756-C-G. GRCh37 (hg19) VCF-style: chr10-88516513-C-G.
Other names: c.-431C>G (NM_001406559.1, NM_001406560.1, NM_001406583.1 and 1 more transcripts); c.-536C>G (NM_001406561.1); c.-828C>G (NM_001406563.1); c.-691C>G (NM_001406565.1); c.-745C>G (NM_001406569.1); c.-560C>G (NM_001406570.1); c.-850C>G (NM_001406571.1); c.-780C>G (NM_001406572.1); and 20 more.
Identifiers: ClinVar variation 4990620 (VCV004990620.1).